The following is an entry in ClinVar:

NM_033026.6(PCLO):c.5701A>G (p.Ile1901Val)

Gene: PCLO (piccolo presynaptic cytomatrix protein; minus strand). Cytogenetic location: 7q21.11.
Variant type: single nucleotide variant.
Coding change: c.5701A>G on transcript NM_033026.6 (MANE Select); coding-DNA position 5701, A replaced by G.
Protein change: p.Ile1901Val; replaces isoleucine 1901 with valine.
Molecular consequence: missense variant.
Genome position (GRCh38, 1-based): chr7:82,955,252, T>C on the plus strand (A>G on the coding strand, the complement: PCLO is on the minus strand). VCF-style: chr7-82955252-T-C. GRCh37 (hg19) VCF-style: chr7-82584568-T-C.
Other names: c.5701A>G (NM_033026.5); c.5701A>G, p.Ile1901Val (NM_014510.3); short protein forms I1901V.
Identifiers: ClinVar variation 2166143 (VCV002166143.6), dbSNP rs754589716, ClinGen allele CA4320597.

ClinVar aggregate classification (germline): Uncertain significance. Review status: criteria provided, multiple submitters, no conflicts (2 of 4 stars). 3 submissions from 3 submitters: Uncertain significance (3). Last evaluated 2025-02-26.

Conditions:
PCLO-related disorder. Also called: PCLO-related condition.
Inborn genetic diseases. Identifiers: MedGen C0950123, MeSH D030342.

Allele frequency attached by ClinVar (database versions not stated): gnomAD exomes 0.00001; gnomAD 0.00002; TOPMed 0.00003; ExAC 0.00004.
gnomAD v4.1: 21 of 1,613,536 alleles (0.0013%); highest among the groups gnomAD compares: Admixed American, 0.03%; no homozygotes.

Submissions (3):

Ambry Genetics
Classification: Uncertain significance for Inborn genetic diseases. Last evaluated: 2025-02-26. Review status: criteria provided, single submitter. Criteria: Ambry Variant Classification Scheme 2023. Collection method: clinical testing. Allele origin: germline.

Labcorp Genetics (formerly Invitae), Labcorp
Classification: Uncertain significance. Last evaluated: 2025-01-15. Review status: criteria provided, single submitter. Criteria: Invitae Variant Classification Sherloc (09022015). Collection method: clinical testing. Allele origin: germline.
Comment: This sequence change replaces isoleucine, which is neutral and non-polar, with valine, which is neutral and non-polar, at codon 1901 of the PCLO protein (p.Ile1901Val). This variant is present in population databases (rs754589716, gnomAD 0.04%). This variant has not been reported in the literature in individuals affected with PCLO-related conditions. ClinVar contains an entry for this variant (Variation ID: 2166143). An algorithm developed to predict the effect of missense changes on protein structure and function outputs the following: PolyPhen-2: "Not Available". The valine amino acid residue is found in multiple mammalian species, which suggests that this missense change does not adversely affect protein function. In summary, the available evidence is currently insufficient to determine the role of this variant in disease. Therefore, it has been classified as a Variant of Uncertain Significance.

PreventionGenetics, part of Exact Sciences
Classification: Uncertain significance for PCLO-related condition. Last evaluated: 2023-08-18. Review status: criteria provided, single submitter. Criteria: ACMG Guidelines, 2015. Collection method: clinical testing. Allele origin: germline.
Comment: The PCLO c.5701A>G variant is predicted to result in the amino acid substitution p.Ile1901Val. To our knowledge, this variant has not been reported in the literature. This variant is reported in 0.044% of alleles in individuals of Latino descent in gnomAD. At this time, the clinical significance of this variant is uncertain due to the absence of conclusive functional and genetic evidence.